The following is an entry in ClinVar:

NM_001001957.2(OR2W3):c.59G>A (p.Arg20Gln)

Gene: OR2W3 (olfactory receptor family 2 subfamily W member 3; plus strand). Cytogenetic location: 1q44.
Variant type: single nucleotide variant.
Coding change: c.59G>A on transcript NM_001001957.2 (MANE Select); coding-DNA position 59, G replaced by A.
Protein change: p.Arg20Gln; replaces arginine 20 with glutamine.
Molecular consequence: missense variant.
Genome position (GRCh38, 1-based): chr1:247,895,645, G>A. VCF-style: chr1-247895645-G-A. GRCh37 (hg19) VCF-style: chr1-248058947-G-A.
Other names: short protein forms R20Q.
Identifiers: ClinVar variation 1946338 (VCV001946338.6), dbSNP rs200573092, ClinGen allele CA1498504.
Genomic context (GRCh38, chr1:247,895,645, plus strand): 5'-AGATGGATGGAACCAATGGCAGCACCCAAACCCATTTCATCCTACTGGGATTCTCTGACC[G>A]ACCCCATCTGGAGAGGATCCTCTTTGTGGTCATCCTGATCGCGTACCTCCTGACCCTCGT-3'
Protein context (NP_001001957.2, residues 10-30): THFILLGFSD[Arg20Gln]PHLERILFVV

ClinVar aggregate classification (germline): Uncertain significance. Review status: criteria provided, multiple submitters, no conflicts (2 of 4 stars). 2 submissions from 2 submitters: Uncertain significance (2). Last evaluated 2024-10-22.

Allele frequency attached by ClinVar (database versions not stated): gnomAD 0.00001; TOPMed 0.00001; ExAC 0.00003; 1000 Genomes Project 30x 0.00016; 1000 Genomes Project 0.00020.

Submissions (2):

Labcorp Genetics (formerly Invitae), Labcorp
Classification: Uncertain significance. Last evaluated: 2024-10-22. Review status: criteria provided, single submitter. Criteria: Invitae Variant Classification Sherloc (09022015). Collection method: clinical testing. Allele origin: germline.
Comment: This sequence change replaces arginine, which is basic and polar, with glutamine, which is neutral and polar, at codon 20 of the OR2W3 protein (p.Arg20Gln). This variant is present in population databases (rs200573092, gnomAD 0.01%). This variant has not been reported in the literature in individuals affected with OR2W3-related conditions. ClinVar contains an entry for this variant (Variation ID: 1946338). An algorithm developed to predict the effect of missense changes on protein structure and function (PolyPhen-2) suggests that this variant is likely to be tolerated. In summary, the available evidence is currently insufficient to determine the role of this variant in disease. Therefore, it has been classified as a Variant of Uncertain Significance.

Ambry Genetics
Classification: Uncertain significance. Last evaluated: 2022-05-09. Review status: criteria provided, single submitter. Criteria: Ambry Variant Classification Scheme 2023. Collection method: clinical testing. Allele origin: germline.